The following is an entry in ClinVar:

ClinVar aggregate classification (germline): Conflicting classifications of pathogenicity. Review status: criteria provided, conflicting classifications (1 of 4 stars). 12 submissions from 12 submitters: Uncertain significance (1); Benign (2); Likely benign (6). 3 of the submissions do not count toward it. Last evaluated 2026-09-01.

Conditions:
Cardiovascular phenotype. Identifiers: MedGen CN230736.
Cardiomyopathy (CMYO). Also called: Cardiomyopathies. Identifiers: Orphanet 167848, MedGen C0878544, MONDO:0004994, HP:0001638. Inheritance: Various modes of inheritance.
Catecholaminergic polymorphic ventricular tachycardia 1. Also called: RYR2-Related Catecholaminergic Polymorphic Ventricular Tachycardia; VENTRICULAR TACHYCARDIA, STRESS-INDUCED POLYMORPHIC 1; VENTRICULAR TACHYCARDIA, CATECHOLAMINERGIC POLYMORPHIC, 1, WITH OR WITHOUT ATRIAL DYSFUNCTION AND/OR DILATED CARDIOMYOPATHY. Identifiers: Orphanet 3286, MedGen C1631597, MONDO:0011484, OMIM 604772.

Allele frequency attached by ClinVar (database versions not stated): gnomAD exomes 0.00028 and 0.00040; gnomAD 0.00049 and 0.00047; TOPMed 0.00063; ExAC 0.00017; 1000 Genomes Project 0.00020; 1000 Genomes Project 30x 0.00031.
gnomAD v4.1: 480 of 1,606,270 alleles (0.03%); highest among the groups gnomAD compares: Admixed American, 0.24%; 1 homozygote.

Submissions (12):

CeGaT Center for Human Genetics Tuebingen
Classification: Likely benign. Last evaluated: 2026-09-01. Review status: criteria provided, single submitter. Criteria: CeGaT Center For Human Genetics Tuebingen Variant Classification Criteria Version 2. Collection method: clinical testing. Allele origin: germline. Affected: yes. Observed: 2 variant alleles.
Comment: RYR2: BP4, BS1

Labcorp Genetics (formerly Invitae), Labcorp
Classification: Likely benign for Catecholaminergic polymorphic ventricular tachycardia 1. Last evaluated: 2026-01-21. Review status: criteria provided, single submitter. Criteria: Invitae Variant Classification Sherloc (09022015). Collection method: clinical testing. Allele origin: germline.

Mayo Clinic Laboratories, Mayo Clinic
Classification: Likely benign. Last evaluated: 2025-09-11. Review status: criteria provided, single submitter. Criteria: ACMG Guidelines, 2015. Collection method: clinical testing. Allele origin: germline. Observed: 1 variant allele.
Comment: BS1, BP4, BP7

Blueprint Genetics
Classification: Likely benign. Last evaluated: 2024-10-25. Review status: criteria provided, single submitter. Criteria: ACMG Guidelines, 2015. Collection method: clinical testing. Allele origin: germline.

Women's Health and Genetics/Laboratory Corporation of America, LabCorp
Classification: Benign. Last evaluated: 2024-01-22. Review status: criteria provided, single submitter. Criteria: LabCorp Variant Classification Summary - May 2015. Collection method: clinical testing. Allele origin: germline.
Comment: Variant summary: RYR2 c.9450-3T>C alters a conserved nucleotide located close to a canonical splice site and therefore could affect mRNA splicing, leading to a significantly altered protein sequence. Consensus agreement among computation tools predict no significant impact on normal splicing. However, these predictions have yet to be confirmed by functional studies. The variant allele was found at a frequency of 0.0003 in 1606270 control chromosomes in the gnomAD database, including 1 homozygote. The observed variant frequency is approximately 12-fold of the estimated maximal expected allele frequency for a pathogenic variant in RYR2 causing Cardiomyopathy phenotype (2.5e-05), strongly suggesting that the variant is benign. To our knowledge, c.9450-3T>C has not been reported in the literature in individuals affected with Cardiomyopathy and no experimental evidence demonstrating an impact on protein function has been reported. The following publication has been ascertained in the context of this evaluation (PMID: 28404607). ClinVar contains an entry for this variant (Variation ID: 43838). Based on the evidence outlined above, the variant was classified as benign.

Ambry Genetics
Classification: Likely benign for Cardiovascular phenotype. Last evaluated: 2021-11-24. Review status: criteria provided, single submitter. Criteria: Ambry Variant Classification Scheme 2023. Collection method: clinical testing. Allele origin: germline.

Color Diagnostics, LLC DBA Color Health
Classification: Likely benign for Cardiomyopathy. Last evaluated: 2018-10-25. Review status: criteria provided, single submitter. Criteria: ACMG Guidelines, 2015. Collection method: clinical testing. Allele origin: germline.

GeneDx
Classification: Benign. Last evaluated: 2015-03-09. Review status: criteria provided, single submitter. Criteria: GeneDx Variant Classification (06012015). Collection method: clinical testing. Allele origin: germline. Affected: yes.
Comment: This variant is considered likely benign or benign based on one or more of the following criteria: it is a conservative change, it occurs at a poorly conserved position in the protein, it is predicted to be benign by multiple in silico algorithms, and/or has population frequency not consistent with disease.

Laboratory for Molecular Medicine, Mass General Brigham Personalized Medicine
Classification: Uncertain significance. Last evaluated: 2012-09-24. Review status: criteria provided, single submitter. Criteria: LMM Criteria. Collection method: clinical testing. Allele origin: germline. Observed: 2 variant alleles.
Comment: This variant has been identified in 1/28 Iberian chromosomes from a broad popul ation by the 1000 Genomes project (dbSNP rs188671846), though this may be a pres ymptomatic individual. In addition, this variant is located in the 3' splice reg ion but computational tools do not suggest an impact to splicing. Additional inf ormation is needed to fully assess the clinical significance of this variant.

Clinical Genetics DNA and cytogenetics Diagnostics Lab, Erasmus MC, Erasmus Medical Center
Classification: Likely benign. Review status: no assertion criteria provided. Collection method: clinical testing. Allele origin: germline. Affected: yes. Study: VKGL Data-share Consensus. Not counted in ClinVar's aggregate classification.

Clinical Genetics, Academic Medical Center
Classification: Likely benign. Review status: no assertion criteria provided. Collection method: clinical testing. Allele origin: germline. Affected: yes. Study: VKGL Data-share Consensus. Not counted in ClinVar's aggregate classification.

Laboratory of Diagnostic Genome Analysis, Leiden University Medical Center (LUMC)
Classification: Likely benign. Review status: no assertion criteria provided. Collection method: clinical testing. Allele origin: germline. Affected: yes. Study: VKGL Data-share Consensus. Not counted in ClinVar's aggregate classification.

Literature cited by the submitters: PubMed 28404607 (cited by Women's Health and Genetics/Laboratory Corporation of America, LabCorp).

NM_001035.3(RYR2):c.9450-3T>C

Gene: RYR2 (ryanodine receptor 2; plus strand). Cytogenetic location: 1q43.
Variant type: single nucleotide variant.
Coding change: c.9450-3T>C on transcript NM_001035.3 (MANE Select); 3 bases into the intron before coding-DNA position 9450, T replaced by C.
Molecular consequence: intron variant.
Genome position (GRCh38, 1-based): chr1:237,705,210, T>C. VCF-style: chr1-237705210-T-C. GRCh37 (hg19) VCF-style: chr1-237868510-T-C.
Other names: p.?.
Identifiers: ClinVar variation 43838 (VCV000043838.33), dbSNP rs188671846, ClinGen allele CA011215.